The following is an entry in ClinVar:

ClinVar aggregate classification (germline): Likely pathogenic (1 of 4 stars; one submission).

Submission:

Labcorp Genetics (formerly Invitae), Labcorp
Classification: Likely pathogenic. Last evaluated: 2023-12-10. Review status: criteria provided, single submitter. Criteria: Invitae Variant Classification Sherloc (09022015). Collection method: clinical testing. Allele origin: germline.
Comment: This sequence change affects a donor splice site in intron 29 of the COL11A2 gene. It is expected to disrupt RNA splicing. Variants that disrupt the donor or acceptor splice site typically lead to a loss of protein function (PMID: 16199547), and loss-of-function variants in COL11A2 are known to be pathogenic (PMID: 10677296, 21204229). This variant is not present in population databases (gnomAD no frequency). This variant has not been reported in the literature in individuals affected with COL11A2-related conditions. Algorithms developed to predict the effect of sequence changes on RNA splicing suggest that this variant may disrupt the consensus splice site. In summary, the currently available evidence indicates that the variant is pathogenic, but additional data are needed to prove that conclusively. Therefore, this variant has been classified as Likely Pathogenic.

Literature cited by the submitters: PubMed 16199547; PubMed 10677296; PubMed 21204229.

NM_080680.3(COL11A2):c.2268+1G>A

Gene: COL11A2 (collagen type XI alpha 2 chain; minus strand). Cytogenetic location: 6p21.32.
Variant type: single nucleotide variant.
Coding change: c.2268+1G>A on transcript NM_080680.3 (MANE Select); the canonical splice donor site of the intron after coding-DNA position 2268, G replaced by A.
Molecular consequence: splice donor variant.
Genome position (GRCh38, 1-based): chr6:33,176,015, C>T on the plus strand (G>A on the coding strand, the complement: COL11A2 is on the minus strand). VCF-style: chr6-33176015-C-T. GRCh37 (hg19) VCF-style: chr6-33143792-C-T.
Other names: c.1242+1G>A (NM_001424111.1, NM_001424110.1); c.1947+1G>A (NM_080679.3); c.2010+1G>A (NM_080681.3); c.2088+1G>A (NM_001424108.1); c.1422+1G>A (NM_001424109.1); c.222+1G>A (NM_001424112.1).
Identifiers: ClinVar variation 2784071 (VCV002784071.3), dbSNP rs797044915, ClinGen allele CA363648082.